The following is an entry in ClinVar:

ClinVar aggregate classification (germline): Uncertain significance (1 of 4 stars; one submission).

Allele frequency attached by ClinVar (database versions not stated): gnomAD exomes below 0.00001.
gnomAD v4.1: 2 of 1,614,046 alleles (0.00012%); highest among the groups gnomAD compares: Admixed American, 0.0017%; no homozygotes.

Submission:

Labcorp Genetics (formerly Invitae), Labcorp
Classification: Uncertain significance. Last evaluated: 2022-01-28. Review status: criteria provided, single submitter. Criteria: Invitae Variant Classification Sherloc (09022015). Collection method: clinical testing. Allele origin: germline.
Comment: This sequence change replaces leucine, which is neutral and non-polar, with valine, which is neutral and non-polar, at codon 584 of the PCLO protein (p.Leu584Val). This variant is not present in population databases (gnomAD no frequency). This variant has not been reported in the literature in individuals affected with PCLO-related conditions. Algorithms developed to predict the effect of missense changes on protein structure and function are either unavailable or do not agree on the potential impact of this missense change (SIFT: "Tolerated"; PolyPhen-2: "Not Available"; Align-GVGD: "Class C0"). In summary, the available evidence is currently insufficient to determine the role of this variant in disease. Therefore, it has been classified as a Variant of Uncertain Significance.

NM_033026.6(PCLO):c.1750C>G (p.Leu584Val)

Gene: PCLO (piccolo presynaptic cytomatrix protein; minus strand). Cytogenetic location: 7q21.11.
Variant type: single nucleotide variant.
Coding change: c.1750C>G on transcript NM_033026.6 (MANE Select); coding-DNA position 1750, C replaced by G.
Protein change: p.Leu584Val; replaces leucine 584 with valine.
Molecular consequence: missense variant.
Genome position (GRCh38, 1-based): chr7:83,154,891, G>C on the plus strand (C>G on the coding strand, the complement: PCLO is on the minus strand). VCF-style: chr7-83154891-G-C. GRCh37 (hg19) VCF-style: chr7-82784207-G-C.
Other names: c.1750C>G, p.Leu584Val (NM_014510.3); short protein forms L584V.
Identifiers: ClinVar variation 1916885 (VCV001916885.2), dbSNP rs2484897805, ClinGen allele CA367912794.